The following is an entry in ClinVar:

NM_007118.4(TRIO):c.6173A>G (p.Tyr2058Cys)

Gene: TRIO (trio Rho guanine nucleotide exchange factor; plus strand). Cytogenetic location: 5p15.2.
Variant type: single nucleotide variant.
Coding change: c.6173A>G on transcript NM_007118.4 (MANE Select); coding-DNA position 6173, A replaced by G.
Protein change: p.Tyr2058Cys; replaces tyrosine 2058 with cysteine.
Molecular consequence: missense variant. On other transcripts: non-coding transcript variant (1).
Genome position (GRCh38, 1-based): chr5:14,479,280, A>G. VCF-style: chr5-14479280-A-G. GRCh37 (hg19) VCF-style: chr5-14479389-A-G.
Other names: c.6173A>G (NM_007118.2); short protein forms Y2058C.
Identifiers: ClinVar variation 2437284 (VCV002437284.5), dbSNP rs2477351695, ClinGen allele CA359233762.

ClinVar aggregate classification (germline): Uncertain significance. Review status: criteria provided, multiple submitters, no conflicts (2 of 4 stars). 2 submissions from 2 submitters: Uncertain significance (2). Last evaluated 2025-04-22.

Submissions (2):

GeneDx
Classification: Uncertain significance. Last evaluated: 2025-04-22. Review status: criteria provided, single submitter. Criteria: GeneDx Variant Classification Process June 2021. Collection method: clinical testing. Allele origin: germline.
Comment: Not observed at significant frequency in large population cohorts (gnomAD); In silico analysis supports that this missense variant has a deleterious effect on protein structure/function; Has not been previously published as pathogenic or benign to our knowledge

Revvity Omics, Revvity
Classification: Uncertain significance. Last evaluated: 2022-01-18. Review status: criteria provided, single submitter. Criteria: ACMG Guidelines, 2015. Collection method: clinical testing. Allele origin: germline.